The following is an entry in ClinVar:

NM_032119.4(ADGRV1):c.7874del (p.Arg2625fs)

Gene: ADGRV1 (adhesion G protein-coupled receptor V1; plus strand). Cytogenetic location: 5q14.3.
Variant type: Deletion.
Coding change: c.7874del on transcript NM_032119.4 (MANE Select); coding-DNA position 7874, one base deleted (G; older notation c.7874delG).
Protein change: p.Arg2625fs; shifts the reading frame from arginine 2625.
Molecular consequence: frameshift variant. On other transcripts: non-coding transcript variant (1).
Genome position (GRCh38, 1-based): chr5:90,694,630, G deleted. VCF-style (leftmost placement, unchanged base first): chr5-90694629-CG-C. GRCh37 (hg19) VCF-style: chr5-89990446-CG-C.
Other names: c.7874delG (NM_032119.3); short protein forms R2625fs.
Identifiers: ClinVar variation 2724930 (VCV002724930.4), dbSNP rs1404085371, ClinGen allele CA815376990.
Genomic context (GRCh38, chr5:90,694,629, plus strand): 5'-TTGGTGGAGCTGATGATACACAGGACAGGGGGCAGCTTAGGTCAAGTGGCAGTCGAATGG[CG>C]TGTTGTTGGTGGAACAGCTACTGAAGGTTTAGATTTTATAGGTGCTGGAGAGATTCTGAC-3'

ClinVar aggregate classification (germline): Pathogenic/Likely pathogenic. Review status: criteria provided, multiple submitters, no conflicts (2 of 4 stars). 2 submissions from 2 submitters: Pathogenic (1); Likely pathogenic (1). Last evaluated 2025-06-18.

Conditions:
ADGRV1-related disorder. Also called: ADGRV1-related disorders; ADGRV1-related condition.

Allele frequency attached by ClinVar (database versions not stated): gnomAD exomes below 0.00001; gnomAD 0.00001; TOPMed 0.00001.

Submissions (2):

PreventionGenetics, part of Exact Sciences
Classification: Likely pathogenic for ADGRV1-related condition. Last evaluated: 2025-06-18. Review status: criteria provided, single submitter. Criteria: ACMG Guidelines, 2015. Collection method: clinical testing. Allele origin: germline.
Comment: The ADGRV1 c.7874delG variant is predicted to result in a frameshift and premature protein termination (p.Arg2625Leufs*11). To our knowledge, this variant has not been reported in the literature or a large population database (gnomAD), indicating this variant is rare. Frameshift variants in ADGRV1 are expected to be pathogenic. This variant is interpreted as likely pathogenic.

Labcorp Genetics (formerly Invitae), Labcorp
Classification: Pathogenic. Last evaluated: 2025-05-27. Review status: criteria provided, single submitter. Criteria: Invitae Variant Classification Sherloc (09022015). Collection method: clinical testing. Allele origin: germline.
Comment: This sequence change creates a premature translational stop signal (p.Arg2625Leufs*11) in the ADGRV1 gene. It is expected to result in an absent or disrupted protein product. Loss-of-function variants in ADGRV1 are known to be pathogenic (PMID: 19357117, 22135276, 22147658, 26226137, 30718709, 31047384, 32467589). This variant is not present in population databases (gnomAD no frequency). This variant has not been reported in the literature in individuals affected with ADGRV1-related conditions. ClinVar contains an entry for this variant (Variation ID: 2724930). For these reasons, this variant has been classified as Pathogenic.

Literature cited by the submitters: PubMed 19357117 (cited by Labcorp Genetics (formerly Invitae), Labcorp); PubMed 22135276 (cited by Labcorp Genetics (formerly Invitae), Labcorp); PubMed 22147658 (cited by Labcorp Genetics (formerly Invitae), Labcorp); PubMed 26226137 (cited by Labcorp Genetics (formerly Invitae), Labcorp); PubMed 30718709 (cited by Labcorp Genetics (formerly Invitae), Labcorp); PubMed 31047384 (cited by Labcorp Genetics (formerly Invitae), Labcorp); PubMed 32467589 (cited by Labcorp Genetics (formerly Invitae), Labcorp).